The following is an entry in ClinVar:

NM_001190274.2(FBXO11):c.2123C>T (p.Ala708Val)

Gene: FBXO11 (F-box protein 11; minus strand). Cytogenetic location: 2p16.3.
Variant type: single nucleotide variant.
Coding change: c.2123C>T on transcript NM_001190274.2 (MANE Select); coding-DNA position 2123, C replaced by T.
Protein change: p.Ala708Val; replaces alanine 708 with valine.
Molecular consequence: missense variant.
Genome position (GRCh38, 1-based): chr2:47,813,338, G>A on the plus strand (C>T on the coding strand, the complement: FBXO11 is on the minus strand). VCF-style: chr2-47813338-G-A. GRCh37 (hg19) VCF-style: chr2-48040477-G-A.
Other names: c.1871C>T, p.Ala624Val (NM_001374325.1, NM_025133.4); short protein forms A624V, A708V.
Identifiers: ClinVar variation 3849394 (VCV003849394.2).

ClinVar aggregate classification (germline): Uncertain significance (1 of 4 stars; one submission).

Conditions:
Inborn genetic diseases. Identifiers: MedGen C0950123, MeSH D030342.

Submission:

Ambry Genetics
Classification: Uncertain significance for Inborn genetic diseases. Last evaluated: 2025-04-17. Review status: criteria provided, single submitter. Criteria: Ambry Variant Classification Scheme 2023. Collection method: clinical testing. Allele origin: germline.
Comment: The c.2123C>T (p.A708V) alteration is located in exon 18 (coding exon 18) of the FBXO11 gene. This alteration results from a C to T substitution at nucleotide position 2123, causing the alanine (A) at amino acid position 708 to be replaced by a valine (V). This variant was not reported in population-based cohorts in the Genome Aggregation Database (gnomAD). This amino acid position is highly conserved in available vertebrate species. This missense alteration is located in a region that has a low rate of benign missense variation (Lek, 2016; Firth, 2009). This alteration is predicted to be deleterious by in silico analysis. Based on insufficient or conflicting evidence, the clinical significance of this alteration remains unclear.